The following is an entry in ClinVar:

NM_001267550.2(TTN):c.102841A>C (p.Ile34281Leu)

Genes: TTN (titin; minus strand), TTN-AS1 (TTN antisense RNA 1; plus strand). Cytogenetic location: 2q31.2.
Variant type: single nucleotide variant.
Coding change: c.102841A>C on transcript NM_001267550.2 (MANE Select); coding-DNA position 102841, A replaced by C.
Protein change: p.Ile34281Leu; replaces isoleucine 34281 with leucine.
Molecular consequence: missense variant.
Genome position (GRCh38, 1-based): chr2:178,533,774, T>G on the plus strand (A>C on the coding strand, the complement: TTN is on the minus strand). VCF-style: chr2-178533774-T-G. GRCh37 (hg19) VCF-style: chr2-179398501-T-G.
Other names: c.97918A>C, p.Ile32640Leu (NM_001256850.1); c.75646A>C, p.Ile25216Leu (NM_003319.4); c.95137A>C, p.Ile31713Leu (NM_133378.4); c.76021A>C, p.Ile25341Leu (NM_133432.3); c.76222A>C, p.Ile25408Leu (NM_133437.4); short protein forms I25341L, I32640L, I34281L, I25216L, I31713L, I25408L.
Identifiers: ClinVar variation 1398053 (VCV001398053.8), dbSNP rs758945559, ClinGen allele CA1985697.
Genomic context (GRCh38, chr2:178,533,774, plus strand): 5'-CTGGTTTGATTTTCTGACCTGATTTATACCATGTTACATGAGGCTCTGGGTGGACAGTTA[T>G]AGTTACTCCAAACCGGACATTTTCACCTACATAAGCTGTCTTATTATAGAGAGGCAGGGT-3'
Protein context (NP_001254479.2, residues 34271-34291): VGENVRFGVT[Ile34281Leu]TVHPEPHVTW

ClinVar aggregate classification (germline): Uncertain significance. Review status: criteria provided, multiple submitters, no conflicts (2 of 4 stars). 2 submissions from 2 submitters: Uncertain significance (2). Last evaluated 2023-05-11.

Conditions:
Dilated cardiomyopathy 1G (CMD1G). Identifiers: Orphanet 154, MedGen C1858763, MONDO:0011400, OMIM 604145.
Autosomal recessive limb-girdle muscular dystrophy type 2J (LGMDR10). Also called: Limb-girdle muscular dystrophy, type 2J; MUSCULAR DYSTROPHY, LIMB-GIRDLE, AUTOSOMAL RECESSIVE 10. Identifiers: Orphanet 140922, MedGen C1837342, MONDO:0012127, OMIM 608807.
Cardiovascular phenotype. Identifiers: MedGen CN230736.

Allele frequency attached by ClinVar (database versions not stated): ExAC 0.00001.
gnomAD v4.1: 7 of 1,614,016 alleles (0.00043%); highest among the groups gnomAD compares: Non-Finnish European, 0.00059%; no homozygotes.

Submissions (2):

Labcorp Genetics (formerly Invitae), Labcorp
Classification: Uncertain significance for Dilated cardiomyopathy 1G; Autosomal recessive limb-girdle muscular dystrophy type 2J. Last evaluated: 2023-05-11. Review status: criteria provided, single submitter. Criteria: Invitae Variant Classification Sherloc (09022015). Collection method: clinical testing. Allele origin: germline.
Comment: In summary, the available evidence is currently insufficient to determine the role of this variant in disease. Therefore, it has been classified as a Variant of Uncertain Significance. This sequence change replaces isoleucine, which is neutral and non-polar, with leucine, which is neutral and non-polar, at codon 34281 of the TTN protein (p.Ile34281Leu). This variant is present in population databases (rs758945559, gnomAD 0.0009%). This variant has not been reported in the literature in individuals affected with TTN-related conditions. ClinVar contains an entry for this variant (Variation ID: 1398053). Experimental studies and prediction algorithms are not available or were not evaluated, and the functional significance of this variant is currently unknown. This variant is located in the M band of TTN (PMID: 25589632). Variants in this region may be relevant for neuromuscular disorders, but have not been definitively shown to cause cardiomyopathy (PMID: 23975875).

Ambry Genetics
Classification: Uncertain significance for Cardiovascular phenotype. Last evaluated: 2020-05-22. Review status: criteria provided, single submitter. Criteria: Ambry Variant Classification Scheme 2023. Collection method: clinical testing. Allele origin: germline.
Comment: The p.I25216L variant (also known as c.75646A>C), located in coding exon 185 of the TTN gene, results from an A to C substitution at nucleotide position 75646. The isoleucine at codon 25216 is replaced by leucine, an amino acid with highly similar properties. This alteration, also known as p.I34281L (c.102841A>C), has been reported in one subject in an arrhythmogenic right ventricular cardiomyopathy (ARVC) cohort who also had variants in other cardiac-related genes (Poloni G et al. Heart Rhythm, 2019 05;16:773-780). This amino acid position is highly conserved in available vertebrate species. In addition, the in silico prediction for this alteration is inconclusive. Since supporting evidence is limited at this time, the clinical significance of this alteration remains unclear.

Literature cited by the submitters: PubMed 25589632 (cited by Labcorp Genetics (formerly Invitae), Labcorp); PubMed 23975875 (cited by Labcorp Genetics (formerly Invitae), Labcorp); PubMed 30453078 (cited by Ambry Genetics).